The following is an entry in ClinVar:

NM_152594.3(SPRED1):c.1000C>T (p.Arg334Cys)

Gene: SPRED1 (sprouty related EVH1 domain containing 1; plus strand). Cytogenetic location: 15q14.
Variant type: single nucleotide variant.
Coding change: c.1000C>T on transcript NM_152594.3 (MANE Select); coding-DNA position 1000, C replaced by T.
Protein change: p.Arg334Cys; replaces arginine 334 with cysteine.
Molecular consequence: missense variant.
Genome position (GRCh38, 1-based): chr15:38,351,329, C>T. VCF-style: chr15-38351329-C-T. GRCh37 (hg19) VCF-style: chr15-38643530-C-T.
Other names: short protein forms R334C.
Identifiers: ClinVar variation 315738 (VCV000315738.29), dbSNP rs765603808, ClinGen allele CA10641669.

ClinVar aggregate classification (germline): Uncertain significance. Review status: criteria provided, multiple submitters, no conflicts (2 of 4 stars). 6 submissions from 6 submitters: Uncertain significance (6). Last evaluated 2025-05-28.

Conditions:
Cardiovascular phenotype. Identifiers: MedGen CN230736.
Legius syndrome. Identifiers: Orphanet 137605, MedGen C1969623, MONDO:0012669, OMIM 611431. Disease mechanism: loss of function.

Allele frequency attached by ClinVar (database versions not stated): gnomAD exomes 0.00001; gnomAD 0.00002; TOPMed 0.00002.

Submissions (6):

Labcorp Genetics (formerly Invitae), Labcorp
Classification: Uncertain significance for Legius syndrome. Last evaluated: 2025-05-28. Review status: criteria provided, single submitter. Criteria: Invitae Variant Classification Sherloc (09022015). Collection method: clinical testing. Allele origin: germline.
Comment: This sequence change replaces arginine, which is basic and polar, with cysteine, which is neutral and slightly polar, at codon 334 of the SPRED1 protein (p.Arg334Cys). This variant is present in population databases (rs765603808, gnomAD 0.002%). This variant has not been reported in the literature in individuals affected with SPRED1-related conditions. ClinVar contains an entry for this variant (Variation ID: 315738). Invitae Evidence Modeling incorporating data from in vitro experimental studies (internal data) indicates that this missense variant is not expected to disrupt SPRED1 function with a negative predictive value of 95%. In summary, the available evidence is currently insufficient to determine the role of this variant in disease. Therefore, it has been classified as a Variant of Uncertain Significance.

CeGaT Center for Human Genetics Tuebingen
Classification: Uncertain significance. Last evaluated: 2025-05-01. Review status: criteria provided, single submitter. Criteria: CeGaT Center For Human Genetics Tuebingen Variant Classification Criteria Version 2. Collection method: clinical testing. Allele origin: germline. Affected: yes. Observed: 1 variant allele.

Blueprint Genetics
Classification: Uncertain significance. Last evaluated: 2024-09-05. Review status: criteria provided, single submitter. Criteria: ACMG Guidelines, 2015. Collection method: clinical testing. Allele origin: germline.

Women's Health and Genetics/Laboratory Corporation of America, LabCorp
Classification: Uncertain significance. Last evaluated: 2024-02-23. Review status: criteria provided, single submitter. Criteria: LabCorp Variant Classification Summary - May 2015. Collection method: clinical testing. Allele origin: germline.
Comment: Variant summary: SPRED1 c.1000C>T (p.Arg334Cys) results in a non-conservative amino acid change in the encoded protein sequence. Five of five in-silico tools predict a damaging effect of the variant on protein function. The variant allele was found at a frequency of 8e-06 in 251108 control chromosomes. The available data on variant occurrences in the general population are insufficient to allow any conclusion about variant significance. c.1000C>T has been reported in the literature in individuals affected with Noonan like syndrome without evidence for causality. This report does not provide unequivocal conclusions about association of the variant with Neurofibromatosis Type 1-Like Syndrome (Legius Syndrome). To our knowledge, no experimental evidence demonstrating an impact on protein function has been reported. The following publication have been ascertained in the context of this evaluation (PMID: 35904599). ClinVar contains an entry for this variant (Variation ID: 315738). Based on the evidence outlined above, the variant was classified as uncertain significance.

Ambry Genetics
Classification: Uncertain significance for Cardiovascular phenotype. Last evaluated: 2018-02-26. Review status: criteria provided, single submitter. Criteria: Ambry Variant Classification Scheme 2023. Collection method: clinical testing. Allele origin: germline.
Comment: The p.R334C variant (also known as c.1000C>T), located in coding exon 7 of the SPRED1 gene, results from a C to T substitution at nucleotide position 1000. The arginine at codon 334 is replaced by cysteine, an amino acid with highly dissimilar properties. In addition, the in silico prediction for this alteration is inconclusive. Since supporting evidence is limited at this time, the clinical significance of this variant remains unclear.

Illumina Laboratory Services, Illumina
Classification: Uncertain significance for Legius syndrome. Last evaluated: 2018-01-13. Review status: criteria provided, single submitter. Criteria: ICSL Variant Classification Criteria 13 December 2019. Collection method: clinical testing. Allele origin: germline.

Literature cited by the submitters: PubMed 35904599 (cited by Women's Health and Genetics/Laboratory Corporation of America, LabCorp).